The following is an entry in ClinVar:

ClinVar aggregate classification (germline): Pathogenic (1 of 4 stars; one submission).

Conditions:
beta Thalassemia (BTHAL). Also called: Cooley's anemia; Erythroblastic anemia; Mediterranean anemia. Identifiers: Orphanet 848, MedGen C0005283, MONDO:0019402. Disease mechanism: loss of function.

Submission:

Women's Health and Genetics/Laboratory Corporation of America, LabCorp
Classification: Pathogenic for beta Thalassemia. Last evaluated: 2023-04-06. Review status: criteria provided, single submitter. Criteria: LabCorp Variant Classification Summary - May 2015. Collection method: clinical testing. Allele origin: germline.
Comment: Variant summary: HBB c.[316-12T>C;316-7C>A] is a complex allele that alters two weakly conserved nucleotides located within intron 2 of the HBB gene. It has also been annotated as c.316-12_316-7delTTCCTCinsCTCCTA in the HGMD database (CX136346). The individual variants are also known under legacy nomenclature as IVS-II-839 (T>C) and IVS-II-844 (C>A) respectively. 5/5 computational tools predict no significant impact on normal splicing for each of the individual variants. However, these predictions have yet to be confirmed by functional studies. Based on the frequency of each constituent variant in the gnomAD database, this variant allele is expected to occur at a frequency of 4e-06 in 251142 control chromosomes. c.[316-12T>C;316-7C>A] has been reported in the literature in multiple individuals affected with mild Beta-plus Thalassemia (example, Waye_2013, Belisario_2015). These data indicate that the variant is very likely to be associated with disease. These variants are thought to affect the consensus splice site and interfere with processing of the primary mRNA transcript by modification of the conserved polypyrimidine tract of the splice acceptor site and causing a reduction of beta globin chain expression to around 60% of normal (Waye_2013). No clinical diagnostic laboratories have submitted clinical-significance assessments for this complex variant to ClinVar after 2014 although a submission of each of the individual component has been observed [ClinVar ID 810861, c.316-12T>C, Likely pathogenic (n=1) and Likely benign (n=1); ClinVar ID 551906, c.316-7C>A, Likely pathogenic (n=2)/Pathogenic (n=2), VUS (n=1)]. Most of the submitters reports the identification of both these variants in cis citing overlapping evidence utilized in the context of our evaluation. Based on the evidence outlined above, this complex variant was classified as Pathogenic for mild beta-plus Thalassemia.

Literature cited by the submitters: PubMed 23651435; PubMed 26041423.

NM_000518.4(HBB):c.[316-12T>C;316-7C>A]

Variant type: Haplotype.
Identifiers: ClinVar variation 869111 (VCV000869111.2).